The following is an entry in ClinVar:

NM_001291303.3(FAT4):c.3769C>A (p.Gln1257Lys)

Gene: FAT4 (FAT atypical cadherin 4; plus strand). Cytogenetic location: 4q28.1.
Variant type: single nucleotide variant.
Coding change: c.3769C>A on transcript NM_001291303.3 (MANE Select); coding-DNA position 3769, C replaced by A.
Protein change: p.Gln1257Lys; replaces glutamine 1257 with lysine.
Molecular consequence: missense variant. On other transcripts: intron variant (1).
Genome position (GRCh38, 1-based): chr4:125,320,180, C>A. VCF-style: chr4-125320180-C-A. GRCh37 (hg19) VCF-style: chr4-126241335-C-A.
Other names: c.3769C>A, p.Gln1257Lys (NM_001291285.3, NM_001438396.1, NM_001438397.1 and 1 more transcripts); c.-55+4203C>A (NM_001437895.1); short protein forms Q1257K.
Identifiers: ClinVar variation 4747863 (VCV004747863.1).

ClinVar aggregate classification (germline): Uncertain significance (1 of 4 stars; one submission).

Submission:

Labcorp Genetics (formerly Invitae), Labcorp
Classification: Uncertain significance. Last evaluated: 2025-02-25. Review status: criteria provided, single submitter. Criteria: Invitae Variant Classification Sherloc (09022015). Collection method: clinical testing. Allele origin: germline.
Comment: This sequence change replaces glutamine, which is neutral and polar, with lysine, which is basic and polar, at codon 1257 of the FAT4 protein (p.Gln1257Lys). This variant is not present in population databases (gnomAD no frequency). This variant has not been reported in the literature in individuals affected with FAT4-related conditions. Invitae Evidence Modeling of protein sequence and biophysical properties (such as structural, functional, and spatial information, amino acid conservation, physicochemical variation, residue mobility, and thermodynamic stability) indicates that this missense variant is not expected to disrupt FAT4 protein function with a negative predictive value of 80%. In summary, the available evidence is currently insufficient to determine the role of this variant in disease. Therefore, it has been classified as a Variant of Uncertain Significance.